The following is an entry in ClinVar:

ClinVar aggregate classification (germline): Uncertain significance (1 of 4 stars; one submission).

Conditions:
Inborn genetic diseases. Identifiers: MedGen C0950123, MeSH D030342.

Submission:

Ambry Genetics
Classification: Uncertain significance for Inborn genetic diseases. Last evaluated: 2021-02-08. Review status: criteria provided, single submitter. Criteria: Ambry Variant Classification Scheme 2023. Collection method: clinical testing. Allele origin: germline.
Comment: Not expected to trigger nonsense-mediated mRNA decay Based on insufficient or conflicting evidence, the clinical significance of this alteration remains unclear.

NM_207037.2(TCF12):c.2042dup (p.Ser682fs)

Gene: TCF12 (transcription factor 12; plus strand). Cytogenetic location: 15q21.3.
Variant type: Duplication.
Coding change: c.2042dup on transcript NM_207037.2 (MANE Select); coding-DNA position 2042, one base duplicated (T; older notation c.2042dupT).
Protein change: p.Ser682fs; shifts the reading frame from serine 682.
Molecular consequence: frameshift variant.
Genome position (GRCh38, 1-based): chr15:57,282,508, T duplicated. VCF-style (leftmost placement, unchanged base first): chr15-57282507-G-GT. GRCh37 (hg19) VCF-style: chr15-57574705-G-GT.
Other names: c.1532dup, p.Ser512fs (NM_001306219.3); c.1262dup, p.Ser422fs (NM_001306220.3); c.2042dup, p.Ser682fs (NM_001322151.2, NM_001322159.3, NM_001322162.2 and 1 more transcripts); c.2039dup, p.Ser681fs (NM_001322152.2, NM_001322161.2); c.1385dup, p.Ser463fs (NM_001322154.2); c.1868dup, p.Ser624fs (NM_001322156.2); c.1970dup, p.Ser658fs (NM_001322157.3, NM_001322165.2, NM_003205.4 and 1 more transcripts); c.1796dup, p.Ser600fs (NM_001322158.2); and 2 more; short protein forms S512fs, S682fs, S422fs, S463fs, S670fs, S681fs, S624fs, S658fs.
Identifiers: ClinVar variation 2228691 (VCV002228691.2), dbSNP rs2551510598, ClinGen allele CA2580089812.